The following is an entry in ClinVar:

ClinVar aggregate classification (germline): Pathogenic (1 of 4 stars; one submission).

Conditions:
Marfan syndrome (MFS). Also called: MARFAN SYNDROME, TYPE I; Marfan syndrome type 1; Marfan's syndrome; Marfan syndrome, classic; FBN1-Related Marfan Syndrome. Identifiers: Orphanet 284963, Orphanet 558, MedGen C0024796, MONDO:0007947, OMIM 154700.
Familial thoracic aortic aneurysm and aortic dissection (TAAD). Also called: Thoracic aortic aneurysms and dissections. Identifiers: Orphanet 91387, MedGen C4707243, MONDO:0019625.

Submission:

Labcorp Genetics (formerly Invitae), Labcorp
Classification: Pathogenic for Marfan syndrome; Familial thoracic aortic aneurysm and aortic dissection. Last evaluated: 2023-09-27. Review status: criteria provided, single submitter. Criteria: Invitae Variant Classification Sherloc (09022015). Collection method: clinical testing. Allele origin: germline.
Comment: For these reasons, this variant has been classified as Pathogenic. This variant is also known as 6283insC. This premature translational stop signal has been observed in individual(s) with clinical features of FBN1-related conditions (PMID: 12068374). This variant is not present in population databases (gnomAD no frequency). This sequence change creates a premature translational stop signal (p.Cys2096Leufs*9) in the FBN1 gene. It is expected to result in an absent or disrupted protein product. Loss-of-function variants in FBN1 are known to be pathogenic (PMID: 17657824, 19293843).

Literature cited by the submitters: PubMed 12068374; PubMed 17657824; PubMed 19293843.

NM_000138.5(FBN1):c.6285dup (p.Cys2096fs)

Gene: FBN1 (fibrillin 1; minus strand). Cytogenetic location: 15q21.1.
Variant type: Duplication.
Coding change: c.6285dup on transcript NM_000138.5 (MANE Select); coding-DNA position 6285, one base duplicated (C; older notation c.6285dupC).
Protein change: p.Cys2096fs; shifts the reading frame from cysteine 2096.
Molecular consequence: frameshift variant.
Genome position (GRCh38, 1-based): chr15:48,437,796, G duplicated on the plus strand (C on the coding strand, the reverse complement: FBN1 is on the minus strand); the first of 4 consecutive G bases (chr15:48,437,796-48,437,799); duplicating any one gives the same sequence. VCF-style (leftmost placement, unchanged base first): chr15-48437795-A-AG. GRCh37 (hg19) VCF-style: chr15-48729992-A-AG.
Other names: c.6285dup, p.Cys2096fs (NM_001406716.1); short protein forms C2096fs.
Identifiers: ClinVar variation 2925538 (VCV002925538.3), dbSNP rs2141241437, ClinGen allele CA2695220284.